The following is an entry in ClinVar:

NM_017752.3(TBC1D8B):c.1151T>A (p.Leu384His)

Gene: TBC1D8B (TBC1 domain family member 8B; plus strand). Cytogenetic location: Xq22.3.
Variant type: single nucleotide variant.
Coding change: c.1151T>A on transcript NM_017752.3 (MANE Select); coding-DNA position 1151, T replaced by A.
Protein change: p.Leu384His; replaces leucine 384 with histidine.
Molecular consequence: missense variant.
Genome position (GRCh38, 1-based): chrX:106,827,285, T>A. VCF-style: chrX-106827285-T-A. GRCh37 (hg19) VCF-style: chrX-106070515-T-A.
Other names: c.1151T>A, p.Leu384His (NM_198881.2); c.1151T>A (NM_017752.2); short protein forms L384H.
Identifiers: ClinVar variation 2185893 (VCV002185893.5), dbSNP rs146944790, ClinGen allele CA10483069.

ClinVar aggregate classification (germline): Uncertain significance. Review status: criteria provided, multiple submitters, no conflicts (2 of 4 stars). 2 submissions from 2 submitters: Uncertain significance (2). Last evaluated 2025-12-09.

Allele frequency attached by ClinVar (database versions not stated): ExAC 0.00001; gnomAD exomes 0.00001; TOPMed 0.00001; ESP Exome Variant Server 0.00009.

Submissions (2):

Ambry Genetics
Classification: Uncertain significance. Last evaluated: 2025-12-09. Review status: criteria provided, single submitter. Criteria: Ambry Variant Classification Scheme 2023. Collection method: clinical testing. Allele origin: germline.

Labcorp Genetics (formerly Invitae), Labcorp
Classification: Uncertain significance. Last evaluated: 2022-01-07. Review status: criteria provided, single submitter. Criteria: Invitae Variant Classification Sherloc (09022015). Collection method: clinical testing. Allele origin: germline.
Comment: In summary, the available evidence is currently insufficient to determine the role of this variant in disease. Therefore, it has been classified as a Variant of Uncertain Significance. Algorithms developed to predict the effect of missense changes on protein structure and function are either unavailable or do not agree on the potential impact of this missense change (SIFT: "Deleterious"; PolyPhen-2: "Possibly Damaging"; Align-GVGD: "Class C0"). This variant has not been reported in the literature in individuals affected with TBC1D8B-related conditions. This variant is present in population databases (rs146944790, gnomAD 0.001%). This sequence change replaces leucine, which is neutral and non-polar, with histidine, which is basic and polar, at codon 384 of the TBC1D8B protein (p.Leu384His).